The following is an entry in ClinVar:

NM_020987.5(ANK3):c.9088A>G (p.Ser3030Gly)

Gene: ANK3 (ankyrin 3; minus strand). Cytogenetic location: 10q21.2.
Variant type: single nucleotide variant.
Coding change: c.9088A>G on transcript NM_020987.5 (MANE Select); coding-DNA position 9088, A replaced by G.
Protein change: p.Ser3030Gly; replaces serine 3030 with glycine.
Molecular consequence: missense variant. On other transcripts: intron variant (4).
Genome position (GRCh38, 1-based): chr10:60,071,793, T>C on the plus strand (A>G on the coding strand, the complement: ANK3 is on the minus strand). VCF-style: chr10-60071793-T-C. GRCh37 (hg19) VCF-style: chr10-61831551-T-C.
Other names: c.4388-3784A>G (NM_001204403.2); c.4409-3784A>G (NM_001204404.2); c.4406-3784A>G (NM_001320874.2); c.1808-3784A>G (NM_001149.4); short protein forms S3030G.
Identifiers: ClinVar variation 3295455 (VCV003295455.2).
Genomic context (GRCh38, chr10:60,071,793, plus strand): 5'-CAGGAGATTTGGTGGGGGAGGTTTCGGTTTCCTCGAGAGGTGGGCATAAACCTACATAAC[T>C]CTGGTGTTTGGAAACTTTGCTGATTTCTGAATAGGTAACTTTTTCATCTTCTATAGAATT-3'
Protein context (NP_066267.2, residues 3020-3040): SEISKVSKHQ[Ser3030Gly]YVGLCPPLEE

ClinVar aggregate classification (germline): Uncertain significance. Review status: criteria provided, multiple submitters, no conflicts (2 of 4 stars). 2 submissions from 2 submitters: Uncertain significance (2). Last evaluated 2025-05-15.

Conditions:
Inborn genetic diseases. Identifiers: MedGen C0950123, MeSH D030342.

gnomAD v4.1: 8 of 1,608,750 alleles (0.0005%); highest among the groups gnomAD compares: Non-Finnish European, 0.00068%; no homozygotes.

Submissions (2):

GeneDx
Classification: Uncertain significance. Last evaluated: 2025-05-15. Review status: criteria provided, single submitter. Criteria: GeneDx Variant Classification Process June 2021. Collection method: clinical testing. Allele origin: germline. Affected: yes.
Comment: In silico analysis suggests that this missense variant does not alter protein structure/function; Has not been previously published as pathogenic or benign to our knowledge

Ambry Genetics
Classification: Uncertain significance for Inborn genetic diseases. Last evaluated: 2024-05-28. Review status: criteria provided, single submitter. Criteria: Ambry Variant Classification Scheme 2023. Collection method: clinical testing. Allele origin: germline.